The following is an entry in ClinVar:

NM_000434.4(NEU1):c.599C>T (p.Pro200Leu)

Gene: NEU1 (neuraminidase 1; minus strand). Cytogenetic location: 6p21.33.
Variant type: single nucleotide variant.
Coding change: c.599C>T on transcript NM_000434.4 (MANE Select); coding-DNA position 599, C replaced by T.
Protein change: p.Pro200Leu; replaces proline 200 with leucine.
Molecular consequence: missense variant.
Genome position (GRCh38, 1-based): chr6:31,861,204, G>A on the plus strand (C>T on the coding strand, the complement: NEU1 is on the minus strand). VCF-style: chr6-31861204-G-A. GRCh37 (hg19) VCF-style: chr6-31828981-G-A.
Other names: short protein forms P200L.
Identifiers: ClinVar variation 938440 (VCV000938440.8), dbSNP rs756023124, ClinGen allele CA3725013.
Genomic context (GRCh38, chr6:31,861,204, plus strand): 5'-TCTCCACAAGGCAGCCCCCTCCACCTATCTCCTAGGACAGAGACCTGAATACCAGAGCCC[G>A]GTCCAGGGGCAAACACTTCAGTGCCAATATCCAGGGAGAGATTCCGGGGTGTGCTCCAGG-3'
Protein context (NP_000425.1, residues 190-210): DIGTEVFAPG[Pro200Leu]GSGIQKQREP

ClinVar aggregate classification (germline): Pathogenic/Likely pathogenic. Review status: criteria provided, multiple submitters, no conflicts (2 of 4 stars). 2 submissions from 2 submitters: Pathogenic (1); Likely pathogenic (1). Last evaluated 2026-08-06.

Conditions:
Sialidosis type 2. Also called: CHERRY RED SPOT--MYOCLONUS SYNDROME; NEU DEFICIENCY; NEUG DEFICIENCY; NEURAMINIDASE 1 DEFICIENCY; SIALIDASE DEFICIENCY; SIALIDOSIS, TYPE II. Identifiers: Orphanet 812, Orphanet 87876, MedGen C4282398, MONDO:0009738, OMIM 256550.

Allele frequency attached by ClinVar (database versions not stated): gnomAD 0.00001; ExAC 0.00003; TOPMed 0.00004.

Submissions (2):

OLLIN Analises Genomicas, OLLIN
Classification: Likely pathogenic for Sialidosis type 2. Last evaluated: 2026-08-06. Review status: criteria provided, single submitter. Criteria: ACMG Guidelines 2015 PMID 25741868. Collection method: clinical testing. Allele origin: germline. Inheritance: Autosomal recessive inheritance.
Comment: This missense variant, located in exon 3 (of 6), has been reported in ClinVar (accession VCV000938440.7), in gnomAD with an allele frequency of 0.0011%, and in the scientific literature, in compound heterozygosity, in individuals with NEU1 related disorders (PMID: 35822090, 21214877). In silico analysis predicts that this variant has a deleterious effect. According to the currently available evidence, this variant has been classified as likely pathogenic (PM2_P, PM3_S, PP3_M).

Labcorp Genetics (formerly Invitae), Labcorp
Classification: Pathogenic. Last evaluated: 2024-01-26. Review status: criteria provided, single submitter. Criteria: Invitae Variant Classification Sherloc (09022015). Collection method: clinical testing. Allele origin: germline.
Comment: This sequence change replaces proline, which is neutral and non-polar, with leucine, which is neutral and non-polar, at codon 200 of the NEU1 protein (p.Pro200Leu). This variant is present in population databases (rs756023124, gnomAD 0.006%). This missense change has been observed in individual(s) with clinical features of sialidosis (PMID: 21214877; Invitae). ClinVar contains an entry for this variant (Variation ID: 938440). Advanced modeling of protein sequence and biophysical properties (such as structural, functional, and spatial information, amino acid conservation, physicochemical variation, residue mobility, and thermodynamic stability) performed at Invitae indicates that this missense variant is expected to disrupt NEU1 protein function with a positive predictive value of 80%. For these reasons, this variant has been classified as Pathogenic.

Literature cited by the submitters: PubMed 35822090 (cited by OLLIN Analises Genomicas, OLLIN); PubMed 21214877 (cited by OLLIN Analises Genomicas, OLLIN and Labcorp Genetics (formerly Invitae), Labcorp).